The following is an entry in ClinVar:

ClinVar aggregate classification (germline): Benign/Likely benign. Review status: criteria provided, multiple submitters, no conflicts (2 of 4 stars). 3 submissions from 3 submitters: Benign (1); Likely benign (2). Last evaluated 2026-04-20.

Conditions:
Hereditary cancer-predisposing syndrome. Also called: Hereditary neoplastic syndrome; Neoplastic Syndromes, Hereditary; Tumor predisposition; Hereditary Cancer Syndrome. Identifiers: Orphanet 140162, MedGen C0027672, MeSH D009386, MONDO:0015356.
Multiple endocrine neoplasia, type 1 (MEN1). Also called: MEN I; WERMER SYNDROME; Endocrine adenomatosis multiple; MEN 1; MEA I. Identifiers: Orphanet 652, MedGen C0025267, MeSH D018761, MONDO:0007540, OMIM 131100.

Allele frequency attached by ClinVar (database versions not stated): gnomAD exomes below 0.00001.
gnomAD v4.1: 1 of 1,588,910 alleles (0.000063%); highest among the groups gnomAD compares: Admixed American, 0.0018%; no homozygotes.

Submissions (3):

Ambry Genetics
Classification: Likely benign for Hereditary cancer-predisposing syndrome. Last evaluated: 2026-04-20. Review status: criteria provided, single submitter. Criteria: Ambry Variant Classification Scheme 2023. Collection method: clinical testing. Allele origin: germline.

Myriad Genetics, Inc.
Classification: Benign for Multiple endocrine neoplasia, type 1. Last evaluated: 2024-10-31. Review status: criteria provided, single submitter. Criteria: Myriad Autosomal Dominant, Autosomal Recessive and X-Linked Classification Criteria (2023). Collection method: clinical testing. Allele origin: unknown.
Comment: This variant is considered benign. This variant is a silent/synonymous amino acid change and it is not expected to impact splicing.

Labcorp Genetics (formerly Invitae), Labcorp
Classification: Likely benign for Multiple endocrine neoplasia, type 1. Last evaluated: 2023-12-24. Review status: criteria provided, single submitter. Criteria: Invitae Variant Classification Sherloc (09022015). Collection method: clinical testing. Allele origin: germline.

NM_001370259.2(MEN1):c.144G>T (p.Leu48=)

Gene: MEN1 (menin 1; minus strand). Cytogenetic location: 11q13.1.
Variant type: single nucleotide variant.
Coding change: c.144G>T on transcript NM_001370259.2 (MANE Select); coding-DNA position 144, G replaced by T.
Protein change: p.Leu48=; no amino-acid change (leucine 48 retained).
Molecular consequence: synonymous variant. On other transcripts: non-coding transcript variant (4).
Genome position (GRCh38, 1-based): chr11:64,809,966, C>A on the plus strand (G>T on the coding strand, the complement: MEN1 is on the minus strand). VCF-style: chr11-64809966-C-A. GRCh37 (hg19) VCF-style: chr11-64577438-C-A.
Other names: c.144G>T, p.Leu48= (NM_000244.4, NM_001370251.2, NM_001370260.2 and 20 more transcripts).
Identifiers: ClinVar variation 2966928 (VCV002966928.5), dbSNP rs1329477531, ClinGen allele CA475162913.